The following is an entry in ClinVar:

NM_002878.4(RAD51D):c.943G>C (p.Gly315Arg)

Genes: RAD51L3-RFFL (RAD51L3-RFFL readthrough; minus strand), RAD51D (RAD51 paralog D; minus strand). Cytogenetic location: 17q12.
Variant type: single nucleotide variant.
Coding change: c.943G>C on transcript NM_002878.4 (MANE Select); coding-DNA position 943, G replaced by C.
Protein change: p.Gly315Arg; replaces glycine 315 with arginine.
Molecular consequence: missense variant. On other transcripts: non-coding transcript variant (2).
Genome position (GRCh38, 1-based): chr17:35,100,997, C>G on the plus strand (G>C on the coding strand, the complement: RAD51D is on the minus strand). VCF-style: chr17-35100997-C-G. GRCh37 (hg19) VCF-style: chr17-33428016-C-G.
Other names: c.1003G>C, p.Gly335Arg (NM_001142571.2); c.607G>C, p.Gly203Arg (NM_133629.3); short protein forms G315R, G203R, G335R.
Identifiers: ClinVar variation 185649 (VCV000185649.20), dbSNP rs786202342, ClinGen allele CA192525.
Genomic context (GRCh38, chr17:35,100,997, plus strand): 5'-CAAACAACAGCACAGGTCATGTCTGATCACCCTGTAATGTGGCACTCTGCTCTGAGGTCC[C>G]CCAGGTCCCAATGTCTACCATCTCCTGGAAACCTGTTGGCTGGAAGAAGAAGTAAGGAGT-3'
Protein context (NP_002869.3, residues 305-325): FQEMVDIGTW[Gly315Arg]TSEQSATLQG

ClinVar aggregate classification (germline): Uncertain significance. Review status: criteria provided, multiple submitters, no conflicts (2 of 4 stars). 5 submissions from 5 submitters: Uncertain significance (5). Last evaluated 2025-10-23.

Conditions:
Hereditary cancer-predisposing syndrome. Also called: Hereditary neoplastic syndrome; Neoplastic Syndromes, Hereditary; Tumor predisposition; Hereditary Cancer Syndrome. Identifiers: Orphanet 140162, MedGen C0027672, MeSH D009386, MONDO:0015356.
Breast-ovarian cancer, familial, susceptibility to, 4. Identifiers: Orphanet 145, MedGen C3280345, MONDO:0013669, OMIM 614291.

Allele frequency attached by ClinVar (database versions not stated): gnomAD exomes below 0.00001.

Submissions (5):

Ambry Genetics
Classification: Uncertain significance for Hereditary cancer-predisposing syndrome. Last evaluated: 2025-10-23. Review status: criteria provided, single submitter. Criteria: Ambry Variant Classification Scheme 2023. Collection method: clinical testing. Allele origin: germline.
Comment: The p.G315R variant (also known as c.943G>C), located in coding exon 10 of the RAD51D gene, results from a G to C substitution at nucleotide position 943. The glycine at codon 315 is replaced by arginine, an amino acid with dissimilar properties. This amino acid position is well conserved in available vertebrate species. In addition, the in silico prediction for this alteration is inconclusive. Since supporting evidence is limited at this time, the clinical significance of this alteration remains unclear.

Quest Diagnostics Nichols Institute San Juan Capistrano
Classification: Uncertain significance. Last evaluated: 2025-04-16. Review status: criteria provided, single submitter. Criteria: Quest Diagnostics criteria. Collection method: clinical testing. Allele origin: unknown.
Comment: The RAD51D c.943G>C (p.Gly315Arg) variant has not been reported in individuals with RAD51D-related conditions in the published literature. It also has not been reported in large, multi-ethnic general populations (Genome Aggregation Database). Analysis of this variant using bioinformatics tools for the prediction of the effect of amino acid changes on protein structure and function yielded conflicting predictions that this variant is benign or damaging. Based on the available information, we are unable to determine the clinical significance of this variant.

Labcorp Genetics (formerly Invitae), Labcorp
Classification: Uncertain significance for Breast-ovarian cancer, familial, susceptibility to, 4. Last evaluated: 2024-08-22. Review status: criteria provided, single submitter. Criteria: Invitae Variant Classification Sherloc (09022015). Collection method: clinical testing. Allele origin: germline.
Comment: This sequence change replaces glycine, which is neutral and non-polar, with arginine, which is basic and polar, at codon 315 of the RAD51D protein (p.Gly315Arg). This variant is not present in population databases (gnomAD no frequency). This variant has not been reported in the literature in individuals affected with RAD51D-related conditions. ClinVar contains an entry for this variant (Variation ID: 185649). An algorithm developed to predict the effect of missense changes on protein structure and function (PolyPhen-2) suggests that this variant is likely to be disruptive. Algorithms developed to predict the effect of sequence changes on RNA splicing suggest that this variant may create or strengthen a splice site. In summary, the available evidence is currently insufficient to determine the role of this variant in disease. Therefore, it has been classified as a Variant of Uncertain Significance.

Color Diagnostics, LLC DBA Color Health
Classification: Uncertain significance for Hereditary cancer-predisposing syndrome. Last evaluated: 2024-03-06. Review status: criteria provided, single submitter. Criteria: ACMG Guidelines, 2015. Collection method: clinical testing. Allele origin: germline.
Comment: This missense variant replaces glycine with arginine at codon 315 of the RAD51D protein. Computational prediction suggests that this variant may not impact protein structure and function (internally defined REVEL score threshold <= 0.5, PMID: 27666373). Splice site prediction tools suggest that this variant may not impact RNA splicing. To our knowledge, functional studies have not been performed for this variant. This variant has not been reported in individuals affected with hereditary cancer in the literature. This variant has not been identified in the general population by the Genome Aggregation Database (gnomAD). The available evidence is insufficient to determine the role of this variant in disease conclusively. Therefore, this variant is classified as a Variant of Uncertain Significance.

Baylor Genetics
Classification: Uncertain significance for Breast-ovarian cancer, familial, susceptibility to, 4. Last evaluated: 2024-02-23. Review status: criteria provided, single submitter. Criteria: ACMG Guidelines, 2015. Collection method: clinical testing. Allele origin: unknown.